The following is an entry in ClinVar:

NM_006648.4(WNK2):c.1907T>C (p.Met636Thr)

Gene: WNK2 (WNK lysine deficient protein kinase 2; plus strand). Cytogenetic location: 9q22.31.
Variant type: single nucleotide variant.
Coding change: c.1907T>C on transcript NM_006648.4 (MANE Select); coding-DNA position 1907, T replaced by C.
Protein change: p.Met636Thr; replaces methionine 636 with threonine.
Molecular consequence: missense variant.
Genome position (GRCh38, 1-based): chr9:93,252,955, T>C. VCF-style: chr9-93252955-T-C. GRCh37 (hg19) VCF-style: chr9-96015237-T-C.
Other names: c.1907T>C, p.Met636Thr (NM_001282394.3); short protein forms M636T.
Identifiers: ClinVar variation 3981990 (VCV003981990.1).
Genomic context (GRCh38, chr9:93,252,955, plus strand): 5'-TCGACAGCGGCCAGGGCTCTACCGTGTACTCAGACTCGCAGAGCAGCCAGCAGAGCGTGA[T>C]GCTTGGCTCCCTTGCCGACGCAGCGCCGTCCCCGGCCCAGTGTGTGTGCAGCCCCCCTGT-3'
Protein context (NP_006639.3, residues 626-646): SDSQSSQQSV[Met636Thr]LGSLADAAPS

ClinVar aggregate classification (germline): Uncertain significance (1 of 4 stars; one submission).

gnomAD v4.1: 3 of 1,578,354 alleles (0.00019%); highest among the groups gnomAD compares: Non-Finnish European, 0.00026%; no homozygotes.

Submission:

Ambry Genetics
Classification: Uncertain significance. Last evaluated: 2025-05-04. Review status: criteria provided, single submitter. Criteria: Ambry Variant Classification Scheme 2023. Collection method: clinical testing. Allele origin: germline.
Comment: The p.M636T variant (also known as c.1907T>C), located in coding exon 8 of the WNK2 gene, results from a T to C substitution at nucleotide position 1907. The methionine at codon 636 is replaced by threonine, an amino acid with similar properties. This amino acid position is conserved. In addition, this alteration is predicted to be tolerated by in silico analysis. Based on the available evidence, the clinical significance of this variant remains unclear.